The following is an entry in ClinVar:

NM_006662.3(SRCAP):c.4798C>G (p.Pro1600Ala)

Gene: SRCAP (Snf2 related CREBBP activator protein; plus strand). Cytogenetic location: 16p11.2.
Variant type: single nucleotide variant.
Coding change: c.4798C>G on transcript NM_006662.3 (MANE Select); coding-DNA position 4798, C replaced by G.
Protein change: p.Pro1600Ala; replaces proline 1600 with alanine.
Molecular consequence: missense variant.
Genome position (GRCh38, 1-based): chr16:30,724,222, C>G. VCF-style: chr16-30724222-C-G. GRCh37 (hg19) VCF-style: chr16-30735543-C-G.
Other names: short protein forms P1600A.
Identifiers: ClinVar variation 2167940 (VCV002167940.5), dbSNP rs1178674894, ClinGen allele CA395616663.

ClinVar aggregate classification (germline): Uncertain significance. Review status: criteria provided, multiple submitters, no conflicts (2 of 4 stars). 2 submissions from 2 submitters: Uncertain significance (2). Last evaluated 2024-06-03.

Conditions:
Developmental delay, hypotonia, musculoskeletal defects, and behavioral abnormalities. Identifiers: MedGen C5562012, MONDO:0859202, OMIM 619595.

Allele frequency attached by ClinVar (database versions not stated): TOPMed below 0.00001; gnomAD 0.00001; gnomAD exomes 0.00001.
gnomAD v4.1: 20 of 1,613,950 alleles (0.0012%); highest among the groups gnomAD compares: South Asian, 0.021%; no homozygotes.

Submissions (2):

Labcorp Genetics (formerly Invitae), Labcorp
Classification: Uncertain significance. Last evaluated: 2024-06-03. Review status: criteria provided, single submitter. Criteria: Invitae Variant Classification Sherloc (09022015). Collection method: clinical testing. Allele origin: germline.
Comment: This sequence change replaces proline, which is neutral and non-polar, with alanine, which is neutral and non-polar, at codon 1600 of the SRCAP protein (p.Pro1600Ala). This variant is present in population databases (no rsID available, gnomAD 0.003%). This variant has not been reported in the literature in individuals affected with SRCAP-related conditions. ClinVar contains an entry for this variant (Variation ID: 2167940). Advanced modeling of protein sequence and biophysical properties (such as structural, functional, and spatial information, amino acid conservation, physicochemical variation, residue mobility, and thermodynamic stability) performed at Invitae indicates that this missense variant is not expected to disrupt SRCAP protein function with a negative predictive value of 80%. In summary, the available evidence is currently insufficient to determine the role of this variant in disease. Therefore, it has been classified as a Variant of Uncertain Significance.

Neuberg Centre For Genomic Medicine, NCGM
Classification: Uncertain significance for Developmental delay, hypotonia, musculoskeletal defects, and behavioral abnormalities. Last evaluated: 2023-03-01. Review status: criteria provided, single submitter. Criteria: ACMG Guidelines, 2015. Collection method: clinical testing. Allele origin: germline. Inheritance: Autosomal dominant inheritance. Affected: yes.
Comment: The missense c.4798C>G(p.Pro1600Ala) variant in SRCAP gene has not been reported previously as a pathogenic variant nor as a benign variant, to our knowledge. This variant is reported with the allele frequency of 0.0004% in the gnomAD Exomes and novel in 1000 Genomes. The amino acid Pro at position 1600 is changed to a Ala changing protein sequence and it might alter its composition and physico-chemical properties. The amino acid change p.Pro1600Ala in SRCAP is predicted as conserved by GERP++ and PhyloP across 100 vertebrates. For these reasons, this variant has been classified as Uncertain Significance.